The following is an entry in ClinVar:

ClinVar aggregate classification (germline): Pathogenic (1 of 4 stars; one submission).

Submission:

Labcorp Genetics (formerly Invitae), Labcorp
Classification: Pathogenic. Last evaluated: 2023-06-06. Review status: criteria provided, single submitter. Criteria: Invitae Variant Classification Sherloc (09022015). Collection method: clinical testing. Allele origin: germline.
Comment: This variant has not been reported in the literature in individuals affected with TET2-related conditions. For these reasons, this variant has been classified as Pathogenic. Algorithms developed to predict the effect of sequence changes on RNA splicing suggest that this variant may create or strengthen a splice site. This variant is not present in population databases (gnomAD no frequency). This sequence change creates a premature translational stop signal (p.Arg1455Glyfs*3) in the TET2 gene. It is expected to result in an absent or disrupted protein product. Loss-of-function variants in TET2 are known to be pathogenic (PMID: 36066697).

Literature cited by the submitters: PubMed 36066697.

NM_001127208.3(TET2):c.4362del (p.Arg1455fs)

Genes: TET2 (tet methylcytosine dioxygenase 2; plus strand), TET2-AS1 (TET2 antisense RNA 1; minus strand). Cytogenetic location: 4q24.
Variant type: Deletion.
Coding change: c.4362del on transcript NM_001127208.3 (MANE Select); coding-DNA position 4362, one base deleted (C; older notation c.4362delC).
Protein change: p.Arg1455fs; shifts the reading frame from arginine 1455.
Molecular consequence: frameshift variant.
Genome position (GRCh38, 1-based): chr4:105,272,743, C deleted. VCF-style (leftmost placement, unchanged base first): chr4-105272742-TC-T. GRCh37 (hg19) VCF-style: chr4-106193899-TC-T.
Other names: short protein forms R1455fs.
Identifiers: ClinVar variation 2741452 (VCV002741452.3), dbSNP rs2476724648, ClinGen allele CA2697546845.